The following is an entry in ClinVar:

ClinVar aggregate classification (germline): Benign (1 of 4 stars; one submission).

Allele frequency attached by ClinVar (database versions not stated): 1000 Genomes Project 30x 0.25796; 1000 Genomes Project 0.25998; TOPMed 0.30240; gnomAD 0.31401 and 0.31705; ESP Exome Variant Server 0.32839; gnomAD exomes 0.36439 and 0.40466; ExAC 0.36712.
gnomAD v4.1: 638,772 of 1,613,594 alleles (40%); highest among the groups gnomAD compares: South Asian, 45%; 133,531 homozygotes.

Submission:

GeneDx
Classification: Benign. Last evaluated: 2019-01-18. Review status: criteria provided, single submitter. Criteria: GeneDx Variant Classification Process June 2021. Collection method: clinical testing. Allele origin: germline. Affected: yes.
Comment: This variant is associated with the following publications: (PMID: 30315176)

NM_005495.3(SLC17A4):c.1114G>A (p.Ala372Thr)

Genes: SLC17A1 (solute carrier family 17 member 1; minus strand), SLC17A4 (solute carrier family 17 member 4; plus strand). Cytogenetic location: 6p22.2.
Variant type: single nucleotide variant.
Coding change: c.1114G>A on transcript NM_005495.3 (MANE Select); coding-DNA position 1114, G replaced by A.
Protein change: p.Ala372Thr; replaces alanine 372 with threonine.
Molecular consequence: missense variant.
Genome position (GRCh38, 1-based): chr6:25,776,721, G>A. VCF-style: chr6-25776721-G-A. GRCh37 (hg19) VCF-style: chr6-25776949-G-A.
Other names: c.952G>A, p.Ala318Thr (NM_001286121.1); short protein forms A318T, A372T.
Identifiers: ClinVar variation 1229422 (VCV001229422.3), dbSNP rs11754288, ClinGen allele CA3662275.
Genomic context (GRCh38, chr6:25,776,721, plus strand): 5'-GCAGACTTTCTTCTCTCCAGAAAAATCCTCAGACTCATCACCATCAGGAAACTCTTCACT[G>A]CCATTGGTAAGGGAGAGACTGGACACAGGGGTGAACGTGGGAAGCTCAGAGCAGCCTTCA-3'
Protein context (NP_005486.1, residues 362-382): RLITIRKLFT[Ala372Thr]IGVLFPSVIL